The following is an entry in ClinVar:

NM_181741.4(ORC4):c.452G>A (p.Ser151Asn)

Gene: ORC4 (origin recognition complex subunit 4; minus strand). Cytogenetic location: 2q23.1.
Variant type: single nucleotide variant.
Coding change: c.452G>A on transcript NM_181741.4 (MANE Select); coding-DNA position 452, G replaced by A.
Protein change: p.Ser151Asn; replaces serine 151 with asparagine.
Molecular consequence: missense variant.
Genome position (GRCh38, 1-based): chr2:147,952,509, C>T on the plus strand (G>A on the coding strand, the complement: ORC4 is on the minus strand). VCF-style: chr2-147952509-C-T. GRCh37 (hg19) VCF-style: chr2-148710078-C-T.
Other names: c.452G>A, p.Ser151Asn (NM_001190879.3, NM_001374270.1, NM_002552.5 and 1 more transcripts); c.200G>A, p.Ser67Asn (NM_001190881.3, NM_001374272.1); c.230G>A, p.Ser77Asn (NM_001190882.3); short protein forms S151N, S67N, S77N.
Identifiers: ClinVar variation 436121 (VCV000436121.11), dbSNP rs1553452537, ClinGen allele CA348714000.
Genomic context (GRCh38, chr2:147,952,509, plus strand): 5'-GTTTGGTTTTTATGATGAGCAAAAAGATCAAATTCATCTAATATGAAGATCACTGGGCAA[C>T]TGCTAGTTCGGTCACCTAAGATAAAATAAGAGCATTACATTAATAAGAAATTATATCCAC-3'
Protein context (NP_859525.1, residues 141-161): EALKKGDRTS[Ser151Asn]CPVIFILDEF

ClinVar aggregate classification (germline): Uncertain significance. Review status: criteria provided, multiple submitters, no conflicts (2 of 4 stars). 2 submissions from 2 submitters: Uncertain significance (2). Last evaluated 2022-09-19.

gnomAD v4.1: 1 of 1,610,598 alleles (0.000062%); no homozygotes.

Submissions (2):

Labcorp Genetics (formerly Invitae), Labcorp
Classification: Uncertain significance. Last evaluated: 2022-09-19. Review status: criteria provided, single submitter. Criteria: Invitae Variant Classification Sherloc (09022015). Collection method: clinical testing. Allele origin: germline.
Comment: This sequence change replaces serine, which is neutral and polar, with asparagine, which is neutral and polar, at codon 151 of the ORC4 protein (p.Ser151Asn). This variant is not present in population databases (gnomAD no frequency). ClinVar contains an entry for this variant (Variation ID: 436121). Advanced modeling of protein sequence and biophysical properties (such as structural, functional, and spatial information, amino acid conservation, physicochemical variation, residue mobility, and thermodynamic stability) performed at Invitae indicates that this missense variant is not expected to disrupt ORC4 protein function. In summary, the available evidence is currently insufficient to determine the role of this variant in disease. Therefore, it has been classified as a Variant of Uncertain Significance. This variant has not been reported in the literature in individuals affected with ORC4-related conditions.

Genetic Services Laboratory, University of Chicago
Classification: Uncertain significance. Last evaluated: 2016-01-14. Review status: criteria provided, single submitter. Criteria: ACMG Guidelines, 2015. Collection method: clinical testing. Allele origin: germline. Affected: no.